The following is an entry in ClinVar:

ClinVar aggregate classification (germline): Uncertain significance (1 of 4 stars; one submission).

Allele frequency attached by ClinVar (database versions not stated): ExAC 0.00002; gnomAD 0.00002; TOPMed 0.00002; ESP Exome Variant Server 0.00008.
gnomAD v4.1: 46 of 1,614,078 alleles (0.0028%); highest among the groups gnomAD compares: Non-Finnish European, 0.0036%; no homozygotes.

Submission:

CeGaT Center for Human Genetics Tuebingen
Classification: Uncertain significance. Last evaluated: 2024-06-01. Review status: criteria provided, single submitter. Criteria: CeGaT Center For Human Genetics Tuebingen Variant Classification Criteria Version 2. Collection method: clinical testing. Allele origin: germline. Affected: yes. Observed: 1 variant allele.
Comment: KCNJ16: PM2

NM_170741.4(KCNJ16):c.1067C>T (p.Ala356Val)

Gene: KCNJ16 (potassium inwardly rectifying channel subfamily J member 16; plus strand). Cytogenetic location: 17q24.3.
Variant type: single nucleotide variant.
Coding change: c.1067C>T on transcript NM_170741.4 (MANE Select); coding-DNA position 1067, C replaced by T.
Protein change: p.Ala356Val; replaces alanine 356 with valine.
Molecular consequence: missense variant.
Genome position (GRCh38, 1-based): chr17:70,133,154, C>T. VCF-style: chr17-70133154-C-T. GRCh37 (hg19) VCF-style: chr17-68129295-C-T.
Other names: c.1067C>T, p.Ala356Val (NM_001270422.2, NM_001291622.3, NM_001291623.2 and 4 more transcripts); short protein forms A356V.
Identifiers: ClinVar variation 3250964 (VCV003250964.18), dbSNP rs368559073.